The following is an entry in ClinVar:

NM_182931.3(KMT2E):c.1660_1662del (p.Pro554del)

Gene: KMT2E (lysine methyltransferase 2E (inactive); plus strand). Cytogenetic location: 7q22.3.
Variant type: Deletion.
Coding change: c.1660_1662del on transcript NM_182931.3 (MANE Select); coding-DNA positions 1660 to 1662, 3 bases deleted (CCT; older notation c.1660_1662delCCT).
Protein change: p.Pro554del; deletes proline 554.
Molecular consequence: inframe deletion.
Genome position (GRCh38, 1-based): chr7:105,091,252-105,091,254, CCT deleted; deleting any 3 consecutive bases within chr7:105,091,250-105,091,254 gives the same sequence; the c. name uses the placement nearest the transcript's 3' end. VCF-style (leftmost placement, unchanged base first): chr7-105091249-ACTC-A. GRCh37 (hg19) VCF-style: chr7-104731696-ACTC-A.
Other names: c.1660_1662del, p.Pro554del (NM_001410908.1, NM_018682.4); short protein forms P554del.
Identifiers: ClinVar variation 2629142 (VCV002629142.3), dbSNP rs1798193187, ClinGen allele CA1105442907.

ClinVar aggregate classification (germline): Uncertain significance (0 of 4 stars; one submission).

Conditions:
KMT2E-related disorder. Also called: KMT2E-related condition.

Submission:

PreventionGenetics, part of Exact Sciences
Classification: Uncertain significance for KMT2E-related condition. Last evaluated: 2023-11-22. Review status: no assertion criteria provided. Collection method: clinical testing. Allele origin: germline.
Comment: The KMT2E c.1660_1662delCCT variant is predicted to result in an in-frame deletion (p.Pro554del). To our knowledge, this variant has not been reported in the literature or in a large population database, indicating this variant is rare. At this time, the clinical significance of this variant is uncertain due to the absence of conclusive functional and genetic evidence.